The following is an entry in ClinVar:

ClinVar aggregate classification (germline): Uncertain significance (0 of 4 stars; one submission).

Conditions:
AGXT-related disorder. Also called: AGXT-related condition.

gnomAD v4.1: 1 of 1,497,808 alleles (0.000067%); highest among the groups gnomAD compares: Non-Finnish European, 0.00009%; no homozygotes.

Submission:

PreventionGenetics, part of Exact Sciences
Classification: Uncertain significance for AGXT-related condition. Last evaluated: 2024-04-17. Review status: no assertion criteria provided. Collection method: clinical testing. Allele origin: germline.
Comment: The AGXT c.128T>C variant is predicted to result in the amino acid substitution p.Leu43Pro. To our knowledge, this variant has not been reported in the literature or in a large population database, indicating this variant is rare. At this time, the clinical significance of this variant is uncertain due to the absence of conclusive functional and genetic evidence.

NM_000030.3(AGXT):c.128T>C (p.Leu43Pro)

Gene: AGXT (alanine--glyoxylate aminotransferase; plus strand). Cytogenetic location: 2q37.3.
Variant type: single nucleotide variant.
Coding change: c.128T>C on transcript NM_000030.3 (MANE Select); coding-DNA position 128, T replaced by C.
Protein change: p.Leu43Pro; replaces leucine 43 with proline.
Molecular consequence: missense variant.
Genome position (GRCh38, 1-based): chr2:240,868,993, T>C. VCF-style: chr2-240868993-T-C. GRCh37 (hg19) VCF-style: chr2-241808410-T-C.
Other names: short protein forms L43P.
Identifiers: ClinVar variation 3344672 (VCV003344672.1).